The following is an entry in ClinVar:

ClinVar aggregate classification (germline): Benign/Likely benign. Review status: criteria provided, multiple submitters, no conflicts (2 of 4 stars). 7 submissions from 7 submitters: Benign (2); Likely benign (5). Last evaluated 2026-08-12.

Conditions:
KCNJ2-related disorder. Also called: KCNJ2-related condition.
Cardiovascular phenotype. Identifiers: MedGen CN230736.
Short QT syndrome type 3. Identifiers: Orphanet 51083, MedGen C1865018, MONDO:0012314, OMIM 609622.
Andersen Tawil syndrome (LQT7). Also called: LONG QT SYNDROME 7; PERIODIC PARALYSIS, POTASSIUM-SENSITIVE CARDIODYSRHYTHMIC TYPE; Potassium-sensitive periodic paralysis, ventricular ectopy, and dysmorphic features; ANDERSEN CARDIODYSRHYTHMIC PERIODIC PARALYSIS; Andersen Syndrome. Identifiers: Orphanet 37553, MedGen C1563715, MONDO:0008222, OMIM 170390.

Allele frequency attached by ClinVar (database versions not stated): gnomAD exomes 0.00009 and 0.00016; 1000 Genomes Project 30x 0.00016; ExAC 0.00018; 1000 Genomes Project 0.00020; gnomAD 0.00038 and 0.00042; TOPMed 0.00040; ESP Exome Variant Server 0.00046.
gnomAD v4.1: 193 of 1,614,068 alleles (0.012%); highest among the groups gnomAD compares: African/African-American, 0.11%; no homozygotes.

Submissions (7):

PreventionGenetics, part of Exact Sciences
Classification: Likely benign for KCNJ2-related condition. Last evaluated: 2026-08-12. Review status: criteria provided, single submitter. Criteria: ACMG Guidelines, 2015. Collection method: clinical testing. Allele origin: germline.
Comment: This variant is classified as likely benign based on ACMG/AMP sequence variant interpretation guidelines (Richards et al. 2015 PMID: 25741868, with internal and published modifications).

Labcorp Genetics (formerly Invitae), Labcorp
Classification: Likely benign for Short QT syndrome type 3; Andersen Tawil syndrome. Last evaluated: 2026-01-26. Review status: criteria provided, single submitter. Criteria: Invitae Variant Classification Sherloc (09022015). Collection method: clinical testing. Allele origin: germline.

ARUP Laboratories, Molecular Genetics and Genomics, ARUP Laboratories
Classification: Likely benign. Last evaluated: 2019-05-01. Review status: criteria provided, single submitter. Criteria: ARUP Molecular Germline Variant Investigation Process. Collection method: clinical testing. Allele origin: germline.

Athena Diagnostics
Classification: Benign. Last evaluated: 2018-10-18. Review status: criteria provided, single submitter. Criteria: Athena Diagnostics Criteria. Collection method: clinical testing. Allele origin: germline.

Ambry Genetics
Classification: Likely benign for Cardiovascular phenotype. Last evaluated: 2016-11-09. Review status: criteria provided, single submitter. Criteria: Ambry Variant Classification Scheme 2023. Collection method: clinical testing. Allele origin: germline.

GeneDx
Classification: Benign. Last evaluated: 2015-03-03. Review status: criteria provided, single submitter. Criteria: GeneDx Variant Classification Process June 2021. Collection method: clinical testing. Allele origin: germline. Affected: yes.

Breakthrough Genomics
Classification: Likely benign. Review status: criteria provided, single submitter. Criteria: ACMG Guidelines, 2015. Collection method: not provided. Allele origin: germline. Inheritance: Autosomal dominant inheritance. Affected: yes.

NM_000891.3(KCNJ2):c.1200G>A (p.Thr400=)

Gene: KCNJ2 (potassium inwardly rectifying channel subfamily J member 2; plus strand). Cytogenetic location: 17q24.3.
Variant type: single nucleotide variant.
Coding change: c.1200G>A on transcript NM_000891.3 (MANE Select); coding-DNA position 1200, G replaced by A.
Protein change: p.Thr400=; no amino-acid change (threonine 400 retained).
Molecular consequence: synonymous variant.
Genome position (GRCh38, 1-based): chr17:70,176,239, G>A. VCF-style: chr17-70176239-G-A. GRCh37 (hg19) VCF-style: chr17-68172380-G-A.
Identifiers: ClinVar variation 468463 (VCV000468463.28), dbSNP rs201253055, ClinGen allele CA8738802.
Genomic context (GRCh38, chr17:70,176,239, plus strand): 5'-TGCCCTCACAAGCAAAGAGGAAGACGACAGTGAAAATGGAGTTCCAGAAAGCACTAGTAC[G>A]GACACGCCCCCTGACATAGACCTTCACAACCAGGCAAGTGTACCTCTAGAGCCCAGGCCC-3'
Protein context (NP_000882.1, residues 390-410): SENGVPESTS[Thr400=]DTPPDIDLHN